The following is an entry in ClinVar:

NM_004370.6(COL12A1):c.9110C>T (p.Pro3037Leu)

Gene: COL12A1 (collagen type XII alpha 1 chain; minus strand). Cytogenetic location: 6q13.
Variant type: single nucleotide variant.
Coding change: c.9110C>T on transcript NM_004370.6 (MANE Select); coding-DNA position 9110, C replaced by T.
Protein change: p.Pro3037Leu; replaces proline 3037 with leucine.
Molecular consequence: missense variant.
Genome position (GRCh38, 1-based): chr6:75,087,648, G>A on the plus strand (C>T on the coding strand, the complement: COL12A1 is on the minus strand). VCF-style: chr6-75087648-G-A. GRCh37 (hg19) VCF-style: chr6-75797364-G-A.
Other names: c.5618C>T, p.Pro1873Leu (NM_080645.3); short protein forms P3037L, P1873L.
Identifiers: ClinVar variation 655423 (VCV000655423.18), dbSNP rs370090007, ClinGen allele CA140995832.

ClinVar aggregate classification (germline): Uncertain significance. Review status: criteria provided, multiple submitters, no conflicts (2 of 4 stars). 6 submissions from 6 submitters: Uncertain significance (6). Last evaluated 2026-03-19.

Conditions:
COL12A1-related disorder. Also called: COL12A1-related condition.
Inborn genetic diseases. Identifiers: MedGen C0950123, MeSH D030342.
Ullrich congenital muscular dystrophy 2 (UCMD2). Identifiers: Orphanet 75840, MedGen C4225314, MONDO:0014654, OMIM 616470.
Bethlem myopathy 2 (BTHLM2). Identifiers: Orphanet 536516, Orphanet 610, MedGen C4225313, MONDO:0034022, OMIM 616471.

Allele frequency attached by ClinVar (database versions not stated): gnomAD exomes 0.00001 and 0.00007; gnomAD 0.00005; TOPMed 0.00006; ESP Exome Variant Server 0.00008.
gnomAD v4.1: 112 of 1,611,870 alleles (0.0069%); highest among the groups gnomAD compares: Non-Finnish European, 0.0089%; no homozygotes.

Submissions (6):

PreventionGenetics, part of Exact Sciences
Classification: Uncertain significance for COL12A1-related condition. Last evaluated: 2026-03-19. Review status: criteria provided, single submitter. Criteria: ACMG Guidelines, 2015. Collection method: clinical testing. Allele origin: germline.
Comment: The COL12A1 c.9110C>T variant is predicted to result in the amino acid substitution p.Pro3037Leu. To our knowledge, this variant has not been reported in the literature. This variant is reported in 0.0055% of alleles in individuals of European (Non-Finnish) descent in gnomAD. At this time, the clinical significance of this variant is uncertain due to the absence of conclusive functional and genetic evidence.

Labcorp Genetics (formerly Invitae), Labcorp
Classification: Uncertain significance for Bethlem myopathy 2; Ullrich congenital muscular dystrophy 2. Last evaluated: 2026-02-02. Review status: criteria provided, single submitter. Criteria: Invitae Variant Classification Sherloc (09022015). Collection method: clinical testing. Allele origin: germline.
Comment: This sequence change replaces proline, which is neutral and non-polar, with leucine, which is neutral and non-polar, at codon 3037 of the COL12A1 protein (p.Pro3037Leu). This variant is present in population databases (rs370090007, gnomAD 0.006%). This variant has not been reported in the literature in individuals affected with COL12A1-related conditions. ClinVar contains an entry for this variant (Variation ID: 655423). An algorithm developed to predict the effect of missense changes on protein structure and function (PolyPhen-2) suggests that this variant is likely to be disruptive. In summary, the available evidence is currently insufficient to determine the role of this variant in disease. Therefore, it has been classified as a Variant of Uncertain Significance.

Women's Health and Genetics/Laboratory Corporation of America, LabCorp
Classification: Uncertain significance. Last evaluated: 2026-01-19. Review status: criteria provided, single submitter. Criteria: LabCorp Variant Classification Summary - May 2015. Collection method: clinical testing. Allele origin: germline.
Comment: Variant summary: COL12A1 c.9110C>T (p.Pro3037Leu) results in a non-conservative amino acid change in the encoded protein sequence. Algorithms developed to predict the effect of missense changes on protein structure and function all suggest that this variant is likely to be disruptive. The variant allele was found at a frequency of 1.2e-05 in 246690 control chromosomes. The available data on variant occurrences in the general population are insufficient to allow any conclusion about variant significance. To our knowledge, no occurrence of c.9110C>T in individuals affected with COL12A1-related conditions and no experimental evidence demonstrating its impact on protein function have been reported. ClinVar contains an entry for this variant (Variation ID: 655423). Based on the evidence outlined above, the variant was classified as uncertain significance.

GeneDx
Classification: Uncertain significance. Last evaluated: 2025-07-09. Review status: criteria provided, single submitter. Criteria: GeneDx Variant Classification Process June 2021. Collection method: clinical testing. Allele origin: germline. Affected: yes.
Comment: In silico analysis supports that this missense variant has a deleterious effect on protein structure/function; Has not been previously published as pathogenic or benign to our knowledge

Ambry Genetics
Classification: Uncertain significance for Inborn genetic diseases. Last evaluated: 2024-11-25. Review status: criteria provided, single submitter. Criteria: Ambry Variant Classification Scheme 2023. Collection method: clinical testing. Allele origin: germline.

Revvity Omics, Revvity
Classification: Uncertain significance. Last evaluated: 2021-05-12. Review status: criteria provided, single submitter. Criteria: ACMG Guidelines, 2015. Collection method: clinical testing. Allele origin: germline.